The following is an entry in ClinVar:

ClinVar aggregate classification (germline): Uncertain significance (1 of 4 stars; one submission).

Allele frequency attached by ClinVar (database versions not stated): gnomAD exomes 0.00001; ExAC 0.00005.
gnomAD v4.1: 5 of 1,551,724 alleles (0.00032%); highest among the groups gnomAD compares: South Asian, 0.0059%; no homozygotes.

Submission:

GeneDx
Classification: Uncertain significance. Last evaluated: 2020-01-21. Review status: criteria provided, single submitter. Criteria: GeneDx Variant Classification Process June 2021. Collection method: clinical testing. Allele origin: germline. Affected: yes.
Comment: In silico analysis, which includes protein predictors and evolutionary conservation, supports that this variant does not alter protein structure/function; Has not been previously published as pathogenic or benign to our knowledge

NM_001371986.1(UNC80):c.4517A>T (p.Glu1506Val)

Gene: UNC80 (unc-80 homolog, NALCN channel complex subunit; plus strand). Cytogenetic location: 2q34.
Variant type: single nucleotide variant.
Coding change: c.4517A>T on transcript NM_001371986.1 (MANE Select); coding-DNA position 4517, A replaced by T.
Protein change: p.Glu1506Val; replaces glutamic acid 1506 with valine.
Molecular consequence: missense variant.
Genome position (GRCh38, 1-based): chr2:209,896,349, A>T. VCF-style: chr2-209896349-A-T. GRCh37 (hg19) VCF-style: chr2-210761073-A-T.
Other names: c.4319A>T, p.Glu1440Val (NM_032504.2); c.4304A>T, p.Glu1435Val (NM_182587.4); short protein forms E1435V, E1440V, E1506V.
Identifiers: ClinVar variation 1314027 (VCV001314027.2), dbSNP rs774224142, ClinGen allele CA2083201.